The following is an entry in ClinVar:

NM_138691.3(TMC1):c.1220dup (p.Asn407fs)

Gene: TMC1 (transmembrane channel like 1; plus strand). Cytogenetic location: 9q21.13.
Variant type: Duplication.
Coding change: c.1220dup on transcript NM_138691.3 (MANE Select); coding-DNA position 1220, one base duplicated (A; older notation c.1220dupA).
Protein change: p.Asn407fs; shifts the reading frame from asparagine 407.
Molecular consequence: frameshift variant.
Genome position (GRCh38, 1-based): chr9:72,789,313, A duplicated; the last of 7 consecutive A bases (chr9:72,789,307-72,789,313); duplicating any one gives the same sequence. VCF-style (leftmost placement, unchanged base first): chr9-72789306-G-GA. GRCh37 (hg19) VCF-style: chr9-75404222-G-GA.
Other names: c.1218_1219insA (NM_138691.2); short protein forms N407fs.
Identifiers: ClinVar variation 562091 (VCV000562091.2), dbSNP rs1564555185, ClinGen allele CA588650195.

ClinVar aggregate classification (germline): Pathogenic. Review status: criteria provided, single submitter (1 of 4 stars). 2 submissions from 2 submitters: Pathogenic (1). 1 of the submissions does not count toward it. Last evaluated 2022-09-01.

Conditions:
Autosomal recessive nonsyndromic hearing loss 7. Also called: DEAFNESS, AUTOSOMAL RECESSIVE 11. Identifiers: Orphanet 90636, MedGen C1832978, MONDO:0010967, OMIM 600974.

Submissions (2):

3billion
Classification: Pathogenic for Autosomal recessive nonsyndromic hearing loss 7. Last evaluated: 2022-09-01. Review status: criteria provided, single submitter. Criteria: ACMG Guidelines, 2015. Collection method: clinical testing. Allele origin: germline. Affected: yes. Observed: 1 heterozygote.
Comment: The variant is observed at an extremely low frequency in the gnomAD v2.1.1 dataset (total allele frequency: <0.001%). Frameshift variant is predicted to result in a loss or disruption of normal protein function through nonsense-mediated decay (NMD) or protein truncation. Multiple pathogenic variants are reported downstream of the variant. The variant has been reported to be associated with TMC1-related disorder (ClinVar ID: VCV000562091). Therefore, this variant is classified as Pathogenic according to the recommendation of ACMG/AMP guideline.

National Institute on Deafness and Communication Disorders, National Institutes of Health
Classification: Pathogenic for Autosomal recessive nonsyndromic hearing loss 7. Last evaluated: 2018-07-05. Review status: no assertion criteria provided. Collection method: research. Allele origin: germline. Affected: yes. Observed: 1 homozygote. Segregation with disease observed. Not counted in ClinVar's aggregate classification.